The following is an entry in ClinVar:

NM_003200.5(TCF3):c.325G>T (p.Ala109Ser)

Gene: TCF3 (transcription factor 3; minus strand). Cytogenetic location: 19p13.3.
Variant type: single nucleotide variant.
Coding change: c.325G>T on transcript NM_003200.5 (MANE Select); coding-DNA position 325, G replaced by T.
Protein change: p.Ala109Ser; replaces alanine 109 with serine.
Molecular consequence: missense variant.
Genome position (GRCh38, 1-based): chr19:1,627,400, C>A on the plus strand (G>T on the coding strand, the complement: TCF3 is on the minus strand). VCF-style: chr19-1627400-C-A. GRCh37 (hg19) VCF-style: chr19-1627399-C-A.
Other names: c.325G>T, p.Ala109Ser (NM_001136139.4, NM_001351778.2, NM_001351779.2); c.325G>T (NM_003200.3); short protein forms A109S.
Identifiers: ClinVar variation 1897698 (VCV001897698.7), dbSNP rs538284851, ClinGen allele CA9050451.

ClinVar aggregate classification (germline): Uncertain significance. Review status: criteria provided, multiple submitters, no conflicts (2 of 4 stars). 2 submissions from 2 submitters: Uncertain significance (2). Last evaluated 2024-04-01.

Conditions:
Inborn genetic diseases. Identifiers: MedGen C0950123, MeSH D030342.

Allele frequency attached by ClinVar (database versions not stated): gnomAD 0.00004; TOPMed 0.00004; ExAC 0.00005; 1000 Genomes Project 30x 0.00016; 1000 Genomes Project 0.00020.
gnomAD v4.1: 45 of 1,612,050 alleles (0.0028%); highest among the groups gnomAD compares: East Asian, 0.091%; no homozygotes.

Submissions (2):

Labcorp Genetics (formerly Invitae), Labcorp
Classification: Uncertain significance. Last evaluated: 2024-04-01. Review status: criteria provided, single submitter. Criteria: Invitae Variant Classification Sherloc (09022015). Collection method: clinical testing. Allele origin: germline.
Comment: This sequence change replaces alanine, which is neutral and non-polar, with serine, which is neutral and polar, at codon 109 of the TCF3 protein (p.Ala109Ser). This variant is present in population databases (rs538284851, gnomAD 0.05%). This variant has not been reported in the literature in individuals affected with TCF3-related conditions. ClinVar contains an entry for this variant (Variation ID: 1897698). Advanced modeling of protein sequence and biophysical properties (such as structural, functional, and spatial information, amino acid conservation, physicochemical variation, residue mobility, and thermodynamic stability) performed at Invitae indicates that this missense variant is not expected to disrupt TCF3 protein function with a negative predictive value of 80%. In summary, the available evidence is currently insufficient to determine the role of this variant in disease. Therefore, it has been classified as a Variant of Uncertain Significance.

Ambry Genetics
Classification: Uncertain significance for Inborn genetic diseases. Last evaluated: 2023-06-29. Review status: criteria provided, single submitter. Criteria: Ambry Variant Classification Scheme 2023. Collection method: clinical testing. Allele origin: germline.